The following is an entry in ClinVar:

ClinVar aggregate classification (germline): Pathogenic/Likely pathogenic. Review status: criteria provided, multiple submitters, no conflicts (2 of 4 stars). 3 submissions from 3 submitters: Pathogenic (2); Likely pathogenic (1). Last evaluated 2023-07-08.

Conditions:
Neurofibromatosis, type 1 (NF1). Also called: VON RECKLINGHAUSEN DISEASE; Peripheral type neurofibromatosis; Neurofibromatosis, type I; NEUROFIBROMATOSIS, TYPE I, SOMATIC. Identifiers: Orphanet 636, MedGen C0027831, MONDO:0018975, OMIM 162200. Disease mechanism: loss of function.
NF1-related disorder. Also called: NF1-related condition. Identifiers: MedGen CN379171.

Submissions (3):

Labcorp Genetics (formerly Invitae), Labcorp
Classification: Pathogenic for Neurofibromatosis, type 1. Last evaluated: 2023-07-08. Review status: criteria provided, single submitter. Criteria: Invitae Variant Classification Sherloc (09022015). Collection method: clinical testing. Allele origin: germline.
Comment: Disruption of this splice site has been observed in individual(s) with neurofibromatosis type 1 (PMID: 18546366, 28422438). For these reasons, this variant has been classified as Pathogenic. Algorithms developed to predict the effect of sequence changes on RNA splicing suggest that this variant may disrupt the consensus splice site. ClinVar contains an entry for this variant (Variation ID: 1066465). This variant is not present in population databases (gnomAD no frequency). This sequence change affects an acceptor splice site in intron 40 of the NF1 gene. It is expected to disrupt RNA splicing. Variants that disrupt the donor or acceptor splice site typically lead to a loss of protein function (PMID: 16199547), and loss-of-function variants in NF1 are known to be pathogenic (PMID: 10712197, 23913538).

Blueprint Genetics
Classification: Likely pathogenic for NF1-related disorders. Last evaluated: 2023-03-29. Review status: criteria provided, single submitter. Criteria: ACMG Guidelines, 2015. Collection method: clinical testing. Allele origin: germline. Affected: yes. Observed: 1 variant allele.

GeneDx
Classification: Pathogenic. Last evaluated: 2023-02-07. Review status: criteria provided, single submitter. Criteria: GeneDx Variant Classification Process June 2021. Collection method: clinical testing. Allele origin: germline. Affected: yes.
Comment: Canonical splice site variant predicted to result in a null allele in a gene for which loss of function is a known mechanism of disease; Not observed at significant frequency in large population cohorts (gnomAD); Also known as IVS32-1G>A; This variant is associated with the following publications: (PMID: 18546366)

Literature cited by the submitters: PubMed 18546366 (cited by Labcorp Genetics (formerly Invitae), Labcorp); PubMed 28422438 (cited by Labcorp Genetics (formerly Invitae), Labcorp); PubMed 16199547 (cited by Labcorp Genetics (formerly Invitae), Labcorp); PubMed 10712197 (cited by Labcorp Genetics (formerly Invitae), Labcorp); PubMed 23913538 (cited by Labcorp Genetics (formerly Invitae), Labcorp).

NM_001042492.3(NF1):c.6148-1G>A

Gene: NF1 (neurofibromin 1; plus strand). Cytogenetic location: 17q11.2.
Variant type: single nucleotide variant.
Coding change: c.6148-1G>A on transcript NM_001042492.3 (MANE Select); the canonical splice acceptor site of the intron before coding-DNA position 6148, G replaced by A.
Molecular consequence: splice acceptor variant.
Genome position (GRCh38, 1-based): chr17:31,336,634, G>A. VCF-style: chr17-31336634-G-A. GRCh37 (hg19) VCF-style: chr17-29663652-G-A.
Other names: c.6085-1G>A (NM_000267.4).
Identifiers: ClinVar variation 1066465 (VCV001066465.7), dbSNP rs1555534661, ClinGen allele CA399011663.